The following is an entry in ClinVar:

NC_012920.1(MT-CYB):m.15531T>C

Gene: MT-CYB (mitochondrially encoded cytochrome b; plus strand).
Variant type: single nucleotide variant.
Genome position: chrM-15531-T-C.
Identifiers: ClinVar variation 693902 (VCV000693902.1), dbSNP rs1603225336, ClinGen allele CA913174127.

ClinVar aggregate classification (germline): Uncertain significance (1 of 4 stars; one submission).

Conditions:
Leigh syndrome (NULS). Also called: Leigh's necrotizing encephalopathy; Leigh's disease; Leigh's syndrome; LEIGH SYNDROME, NUCLEAR; Leigh Syndrome (mtDNA deletion); Leigh Disease. Identifiers: Orphanet 506, MedGen C2931891, MONDO:0009723, OMIM 256000.

Submission:

Wong Mito Lab, Molecular and Human Genetics, Baylor College of Medicine
Classification: Uncertain significance for Leigh syndrome. Last evaluated: 2019-10-17. Review status: criteria provided, single submitter. Criteria: Modified ACMG Guidelines (Unpublished). Collection method: clinical testing. Allele origin: germline.
Comment: The NC_012920.1:m.15531T>C (YP_003024038.1:p.Leu262Ser) variant in MTCYB gene is interpretated to be a Uncertain Significance variant based on the modified ACMG guidelines (unpublished). This variant meets the following evidence codes: PM9, BS4